The following is an entry in ClinVar:

NM_013275.6(ANKRD11):c.7480C>A (p.Pro2494Thr)

Gene: ANKRD11 (ankyrin repeat domain containing 11; minus strand). Cytogenetic location: 16q24.3.
Variant type: single nucleotide variant.
Coding change: c.7480C>A on transcript NM_013275.6 (MANE Select); coding-DNA position 7480, C replaced by A.
Protein change: p.Pro2494Thr; replaces proline 2494 with threonine.
Molecular consequence: missense variant.
Genome position (GRCh38, 1-based): chr16:89,275,182, G>T on the plus strand (C>A on the coding strand, the complement: ANKRD11 is on the minus strand). VCF-style: chr16-89275182-G-T. GRCh37 (hg19) VCF-style: chr16-89341590-G-T.
Other names: c.7480C>A, p.Pro2494Thr (NM_001256182.2, NM_001256183.2); short protein forms P2494T.
Identifiers: ClinVar variation 421226 (VCV000421226.2), dbSNP rs1064794992, ClinGen allele CA16620302.

ClinVar aggregate classification (germline): Likely pathogenic (1 of 4 stars; one submission).

Submission:

GeneDx
Classification: Likely pathogenic. Last evaluated: 2016-08-05. Review status: criteria provided, single submitter. Criteria: GeneDx Variant Classification (06012015). Collection method: clinical testing. Allele origin: germline. Affected: yes.
Comment: The confirmed de novo P2494T variant in the ANKRD11 gene has not been reported previously as a pathogenic variant, nor as a benign variant, to our knowledge. The P2494T variant was not observed in approximately 6,500 individuals of European and African American ancestry in the NHLBI Exome Sequencing Project, indicating it is not a common benign variant in these populations. The P2494T variant is a non-conservative amino acid substitution, which is likely to impact secondary protein structure as these residues differ in polarity, charge, size and/or other properties. This substitution occurs at a position that is conserved across species. In silico analysis predicts this variant is probably damaging to the protein structure/function. The P2494T variant is a strong candidate for a pathogenic variant, however the possibility it may be a rare benign variant cannot be completely excluded.